The following is an entry in ClinVar:

NM_002291.3(LAMB1):c.2411A>G (p.Asn804Ser)

Gene: LAMB1 (laminin subunit beta 1; minus strand). Cytogenetic location: 7q31.1.
Variant type: single nucleotide variant.
Coding change: c.2411A>G on transcript NM_002291.3 (MANE Select); coding-DNA position 2411, A replaced by G.
Protein change: p.Asn804Ser; replaces asparagine 804 with serine.
Molecular consequence: missense variant.
Genome position (GRCh38, 1-based): chr7:107,959,738, T>C on the plus strand (A>G on the coding strand, the complement: LAMB1 is on the minus strand). VCF-style: chr7-107959738-T-C. GRCh37 (hg19) VCF-style: chr7-107600183-T-C.
Other names: c.2411A>G (NM_002291.2); short protein forms N804S.
Identifiers: ClinVar variation 1474367 (VCV001474367.8), dbSNP rs145729606, ClinGen allele CA4435650.

ClinVar aggregate classification (germline): Conflicting classifications of pathogenicity. Review status: criteria provided, conflicting classifications (1 of 4 stars). 3 submissions from 3 submitters: Uncertain significance (2); Likely benign (1). Last evaluated 2025-09-20.

Conditions:
Inborn genetic diseases. Identifiers: MedGen C0950123, MeSH D030342.

Allele frequency attached by ClinVar (database versions not stated): gnomAD exomes 0.00004 and 0.00010; ExAC 0.00012; ESP Exome Variant Server 0.00023; gnomAD 0.00037 and 0.00041; TOPMed 0.00044; 1000 Genomes Project 0.00060; 1000 Genomes Project 30x 0.00062.

Submissions (3):

Labcorp Genetics (formerly Invitae), Labcorp
Classification: Uncertain significance. Last evaluated: 2025-09-20. Review status: criteria provided, single submitter. Criteria: Invitae Variant Classification Sherloc (09022015). Collection method: clinical testing. Allele origin: germline.
Comment: This sequence change replaces asparagine, which is neutral and polar, with serine, which is neutral and polar, at codon 804 of the LAMB1 protein (p.Asn804Ser). This variant is present in population databases (rs145729606, gnomAD 0.1%). This variant has not been reported in the literature in individuals affected with LAMB1-related conditions. ClinVar contains an entry for this variant (Variation ID: 1474367). An algorithm developed to predict the effect of missense changes on protein structure and function (PolyPhen-2) suggests that this variant is likely to be tolerated. In summary, the available evidence is currently insufficient to determine the role of this variant in disease. Therefore, it has been classified as a Variant of Uncertain Significance.

Ambry Genetics
Classification: Likely benign for Inborn genetic diseases. Last evaluated: 2024-07-30. Review status: criteria provided, single submitter. Criteria: Ambry Variant Classification Scheme 2023. Collection method: clinical testing. Allele origin: germline.

GeneDx
Classification: Uncertain significance. Last evaluated: 2023-12-06. Review status: criteria provided, single submitter. Criteria: GeneDx Variant Classification Process June 2021. Collection method: clinical testing. Allele origin: germline. Affected: yes.
Comment: In silico analysis supports that this missense variant does not alter protein structure/function; Has not been previously published as pathogenic or benign to our knowledge; This variant is associated with the following publications: (PMID: 23472759)